The following is an entry in ClinVar:

NM_005732.4(RAD50):c.213G>A (p.Lys71=)

Gene: RAD50 (RAD50 double strand break repair protein; plus strand). Cytogenetic location: 5q31.1.
Variant type: single nucleotide variant.
Coding change: c.213G>A on transcript NM_005732.4 (MANE Select); coding-DNA position 213, G replaced by A.
Protein change: p.Lys71=; no amino-acid change (lysine 71 retained).
Molecular consequence: synonymous variant.
Genome position (GRCh38, 1-based): chr5:132,559,367, G>A. VCF-style: chr5-132559367-G-A. GRCh37 (hg19) VCF-style: chr5-131895059-G-A.
Identifiers: ClinVar variation 482093 (VCV000482093.6), dbSNP rs1554096794, ClinGen allele CA446361661.

ClinVar aggregate classification (germline): Uncertain significance (1 of 4 stars; one submission).

Conditions:
Hereditary cancer-predisposing syndrome. Also called: Tumor predisposition; Hereditary Cancer Syndrome; Neoplastic Syndromes, Hereditary; Hereditary neoplastic syndrome. Identifiers: Orphanet 140162, MedGen C0027672, MeSH D009386, MONDO:0015356.

Submission:

Ambry Genetics
Classification: Uncertain significance for Hereditary cancer-predisposing syndrome. Last evaluated: 2026-02-10. Review status: criteria provided, single submitter. Criteria: Ambry Variant Classification Scheme 2023. Collection method: clinical testing. Allele origin: germline.
Comment: The c.213G>A variant (also known as p.K71K) is located in coding exon 2 of the RAD50 gene. This variant results from a G to A substitution at nucleotide position 213. This nucleotide substitution does not change the lysine at codon 71. However, this change occurs in the last base pair of coding exon 2, which makes it likely to have some effect on normal mRNA splicing. This nucleotide position is well conserved in available vertebrate species. In silico splice site analysis predicts that this alteration will weaken the native splice donor site. Based on the available evidence, the clinical significance of this variant remains unclear.